The following is an entry in ClinVar:

ClinVar aggregate classification (germline): Pathogenic (1 of 4 stars; one submission).

Conditions:
Hereditary cancer-predisposing syndrome. Also called: Tumor predisposition; Neoplastic Syndromes, Hereditary; Hereditary Cancer Syndrome; Hereditary neoplastic syndrome. Identifiers: Orphanet 140162, MedGen C0027672, MeSH D009386, MONDO:0015356.

Submission:

Ambry Genetics
Classification: Pathogenic for Hereditary cancer-predisposing syndrome. Last evaluated: 2024-11-08. Review status: criteria provided, single submitter. Criteria: Ambry Variant Classification Scheme 2023. Collection method: clinical testing. Allele origin: germline.
Comment: The c.3779_3780insCT pathogenic mutation, located in coding exon 10 of the BRCA2 gene, results from an insertion of two nucleotides at position 3779, causing a translational frameshift with a predicted alternate stop codon (p.L1260Ffs*17). This variant is considered to be rare based on population cohorts in the Genome Aggregation Database (gnomAD). This alteration is expected to result in loss of function by premature protein truncation or nonsense-mediated mRNA decay. As such, this alteration is interpreted as a disease-causing mutation.

NM_000059.4(BRCA2):c.3779_3780insCT (p.Leu1260fs)

Gene: BRCA2 (BRCA2 DNA repair associated; plus strand). Cytogenetic location: 13q13.1.
Variant type: Insertion.
Coding change: c.3779_3780insCT on transcript NM_000059.4 (MANE Select); coding-DNA positions 3779 to 3780, CT inserted.
Protein change: p.Leu1260fs; shifts the reading frame from leucine 1260.
Molecular consequence: frameshift variant. On other transcripts: non-coding transcript variant (1), intron variant (2).
Genome position: GRCh38 VCF-style: chr13-32338133-T-TTC. GRCh37 (hg19) VCF-style: chr13-32912270-T-TTC.
Other names: c.3779_3780insCT, p.Leu1260fs (NM_001406719.1, NM_001406720.1, NM_001432077.1); c.1909+4747_1909+4748insCT (NM_001406721.1); c.425-6424_425-6423insCT (NM_001406722.1); short protein forms L1260fs.
Identifiers: ClinVar variation 3482154 (VCV003482154.1).